The following is an entry in ClinVar:

NM_000257.4(MYH7):c.1699C>T (p.Arg567Cys)

Gene: MYH7 (myosin heavy chain 7; minus strand). Cytogenetic location: 14q11.2.
Variant type: single nucleotide variant.
Coding change: c.1699C>T on transcript NM_000257.4 (MANE Select); coding-DNA position 1699, C replaced by T.
Protein change: p.Arg567Cys; replaces arginine 567 with cysteine.
Molecular consequence: missense variant.
Genome position (GRCh38, 1-based): chr14:23,427,774, G>A on the plus strand (C>T on the coding strand, the complement: MYH7 is on the minus strand). VCF-style: chr14-23427774-G-A. GRCh37 (hg19) VCF-style: chr14-23896983-G-A.
Other names: c.1699C>T (LRG_384t1); short protein forms R567C.
Identifiers: ClinVar variation 519008 (VCV000519008.26), dbSNP rs771771163, ClinGen allele CA029129.

ClinVar aggregate classification (germline): Conflicting classifications of pathogenicity. Review status: criteria provided, conflicting classifications (1 of 4 stars). 7 submissions from 7 submitters: Likely pathogenic (1); Uncertain significance (6). Last evaluated 2026-09-07.

Conditions:
Cardiomyopathy (CMYO). Also called: Cardiomyopathies. Identifiers: Orphanet 167848, MedGen C0878544, MONDO:0004994, HP:0001638. Inheritance: Various modes of inheritance.
Hypertrophic cardiomyopathy. Also called: HYPERTROPHIC MYOCARDIOPATHY. Identifiers: Orphanet 217569, MedGen C0007194, MeSH D002312, MONDO:0005045, HP:0001639.
Cardiovascular phenotype. Identifiers: MedGen CN230736.

Allele frequency attached by ClinVar (database versions not stated): ExAC 0.00001; gnomAD 0.00001; gnomAD exomes 0.00001; TOPMed 0.00001.
gnomAD v4.1: 9 of 1,614,042 alleles (0.00056%); highest among the groups gnomAD compares: African/African-American, 0.0013%; no homozygotes.

Submissions (7):

GeneDx
Classification: Likely pathogenic. Last evaluated: 2026-09-07. Review status: criteria provided, single submitter. Criteria: GeneDx Variant Classification Process June 2021. Collection method: clinical testing. Allele origin: germline.
Comment: Observed with an MYH7 frameshift variant on the opposite allele, in addition to variants in other genes, in an individual who underwent heart transplantation due to childhood-onset LVNC, atrial septal defect, and endocardial fibrosis (PMID: 31918855); Reported in individuals with dilated cardiomyopathy or sudden unexplained death (PMID: 23349452, 26272908); Not observed at significant frequency in large population cohorts (gnomAD); In silico analysis supports that this missense variant has a deleterious effect on protein structure/function; This variant is associated with the following publications: (PMID: 26272908, 23349452, 31918855, 27247418, 32380161, 27532257, 29300372)

Labcorp Genetics (formerly Invitae), Labcorp
Classification: Uncertain significance for Hypertrophic cardiomyopathy. Last evaluated: 2025-11-05. Review status: criteria provided, single submitter. Criteria: Invitae Variant Classification Sherloc (09022015). Collection method: clinical testing. Allele origin: germline.
Comment: This sequence change replaces arginine, which is basic and polar, with cysteine, which is neutral and slightly polar, at codon 567 of the MYH7 protein (p.Arg567Cys). This variant is present in population databases (rs771771163, gnomAD 0.007%). This missense change has been observed in individual(s) with dilated cardiomyopathy or left ventricular noncompaction (PMID: 23349452, 31918855). ClinVar contains an entry for this variant (Variation ID: 519008). Invitae Evidence Modeling of protein sequence and biophysical properties (such as structural, functional, and spatial information, amino acid conservation, physicochemical variation, residue mobility, and thermodynamic stability) indicates that this missense variant is expected to disrupt MYH7 protein function with a positive predictive value of 95%. In summary, the available evidence is currently insufficient to determine the role of this variant in disease. Therefore, it has been classified as a Variant of Uncertain Significance.

Color Diagnostics, LLC DBA Color Health
Classification: Uncertain significance for Cardiomyopathy. Last evaluated: 2025-04-17. Review status: criteria provided, single submitter. Criteria: ACMG Guidelines, 2015. Collection method: clinical testing. Allele origin: germline.
Comment: This missense variant replaces arginine with cysteine at codon 567 of the MYH7 protein. Computational prediction suggests that this variant may not impact protein structure and function. To our knowledge, functional studies have not been reported for this variant. This variant has been reported in two individuals affected with hypertrophic cardiomyopathy (PMID: 32380161), in an individual affected with dilated cardiomyopathy (PMID: 23349452), in an individual affected with left ventricular noncompaction (PMID: 31918855), and in an individual affected with sudden unexplained death (PMID: 26272908). This variant has been identified in 2/251486 chromosomes in the general population by the Genome Aggregation Database (gnomAD). The available evidence is insufficient to determine the role of this variant in disease conclusively. Therefore, this variant is classified as a Variant of Uncertain Significance.

Ambry Genetics
Classification: Uncertain significance for Cardiovascular phenotype. Last evaluated: 2025-03-13. Review status: criteria provided, single submitter. Criteria: Ambry Variant Classification Scheme 2023. Collection method: clinical testing. Allele origin: germline.
Comment: The p.R567C variant (also known as c.1699C>T), located in coding exon 14 of the MYH7 gene, results from a C to T substitution at nucleotide position 1699. The arginine at codon 567 is replaced by cysteine, an amino acid with highly dissimilar properties. This alteration has been reported in a dilated cardiomyopathy (DCM) cohort, a pediatric sudden cardiac death cohort, an exome cohort and a left ventricular non-compaction (LVNC) cohort (van Spaendonck-Zwarts KY et al. Eur. J. Heart Fail., 2013 Jun;15:628-36; Santori M et al. Arch Dis Child, 2015 Oct;100:952-6; Homburger JR et al. Proc Natl Acad Sci U S A, 2016 06;113:6701-6; Liu S et al. Int J Cardiol, 2020 03;302:117-123). This amino acid position is well conserved in available vertebrate species. In addition, the in silico prediction for this alteration is inconclusive. Since supporting evidence is limited at this time, the clinical significance of this alteration remains unclear.

All of Us Research Program, National Institutes of Health
Classification: Uncertain significance for Cardiomyopathy. Last evaluated: 2024-07-20. Review status: criteria provided, single submitter. Criteria: ACMG Guidelines, 2015. Collection method: clinical testing. Allele origin: germline. Inheritance: Autosomal dominant inheritance. Observed: 5 variant alleles, 5 heterozygotes.
Comment: This missense variant replaces arginine with cysteine at codon 567 of the MYH7 protein. Computational prediction tools indicate that this variant has a neutral impact on protein structure and function. To our knowledge, functional studies have not been reported for this variant. This variant has been reported in an individual affected with dilated cardiomyopathy (PMID: 23349452), in an individual affected with left ventricular noncompaction (PMID: 31918855), and in an individual affected with sudden unexplained death (PMID: 26272908). This variant has been identified in 2/251486 chromosomes in the general population by the Genome Aggregation Database (gnomAD). The available evidence is insufficient to determine the role of this variant in disease conclusively. Therefore, this variant is classified as a Variant of Uncertain Significance.

This study involves interpretation of variants in research participants for the purpose of population health screening. Participant phenotype was not available at the time of variant classification. Additional details can be found in publication PMID: 35346344, PMCID: PMC8962531

Women's Health and Genetics/Laboratory Corporation of America, LabCorp
Classification: Uncertain significance. Last evaluated: 2022-01-29. Review status: criteria provided, single submitter. Criteria: LabCorp Variant Classification Summary - May 2015. Collection method: clinical testing. Allele origin: germline.
Comment: Variant summary: MYH7 c.1699C>T (p.Arg567Cys) results in a non-conservative amino acid change located in the Myosin head, motor domain (IPR001609) of the encoded protein sequence. Five of five in-silico tools predict a damaging effect of the variant on protein function. The variant allele was found at a frequency of 8e-06 in 251486 control chromosomes. The available data on variant occurrences in the general population are insufficient to allow any conclusion about variant significance. c.1699C>T has been reported in the literature in an individual affected with Dilated Cardiomyopathy (DCM) who also carried a different founder mutation in the PLN gene (p.Arg14del) (example, van Spaendonck_2013). These report(s) do not provide unequivocal conclusions about association of the variant with Hypertrophic/Dilated Cardiomyopathy. At-least one co-occurrences with another pathogenic variant in the MYH7 gene have been observed at our laboratory (MYH7 c.2722C>G, p.Leu908Val). To our knowledge, no experimental evidence demonstrating an impact on protein function has been reported. Four clinical diagnostic laboratories have submitted clinical-significance assessments for this variant to ClinVar after 2014 without evidence for independent evaluation. All laboratories classified the variant as uncertain significance. Based on the evidence outlined above, the variant was classified as uncertain significance.

Blueprint Genetics
Classification: Uncertain significance. Last evaluated: 2018-05-27. Review status: criteria provided, single submitter. Criteria: ACMG Guidelines, 2015. Collection method: clinical testing. Allele origin: germline.

Literature cited by the submitters: PubMed 23349452 (cited by 5 submitters); PubMed 31918855 (cited by 4 submitters); PubMed 26272908 (cited by 3 submitters); PubMed 32380161 (cited by Color Diagnostics, LLC DBA Color Health); PubMed 27247418 (cited by Ambry Genetics).